The following is an entry in ClinVar:

ClinVar aggregate classification (germline): Uncertain significance (1 of 4 stars; one submission).

Submission:

GeneDx
Classification: Uncertain significance. Last evaluated: 2023-01-30. Review status: criteria provided, single submitter. Criteria: GeneDx Variant Classification Process June 2021. Collection method: clinical testing. Allele origin: germline. Affected: yes.
Comment: Not observed at significant frequency in large population cohorts (gnomAD); In silico analysis supports that this missense variant has a deleterious effect on protein structure/function; Has not been previously published as pathogenic or benign to our knowledge

NM_001069.3(TUBB2A):c.208C>T (p.Pro70Ser)

Gene: TUBB2A (tubulin beta 2A class IIa; minus strand). Cytogenetic location: 6p25.2.
Variant type: single nucleotide variant.
Coding change: c.208C>T on transcript NM_001069.3 (MANE Select); coding-DNA position 208, C replaced by T.
Protein change: p.Pro70Ser; replaces proline 70 with serine.
Molecular consequence: missense variant. On other transcripts: 5 prime UTR variant (1).
Genome position (GRCh38, 1-based): chr6:3,155,694, G>A on the plus strand (C>T on the coding strand, the complement: TUBB2A is on the minus strand). VCF-style: chr6-3155694-G-A. GRCh37 (hg19) VCF-style: chr6-3155928-G-A.
Other names: c.-180C>T (NM_001310315.2); short protein forms P70S.
Identifiers: ClinVar variation 2574287 (VCV002574287.1), dbSNP rs2533527174, ClinGen allele CA362593276.